The following is an entry in ClinVar:

NM_031935.3(HMCN1):c.16G>A (p.Val6Ile)

Gene: HMCN1 (hemicentin 1; plus strand). Cytogenetic location: 1q25.3.
Variant type: single nucleotide variant.
Coding change: c.16G>A on transcript NM_031935.3 (MANE Select); coding-DNA position 16, G replaced by A.
Protein change: p.Val6Ile; replaces valine 6 with isoleucine.
Molecular consequence: missense variant.
Genome position (GRCh38, 1-based): chr1:185,734,795, G>A. VCF-style: chr1-185734795-G-A. GRCh37 (hg19) VCF-style: chr1-185703927-G-A.
Other names: short protein forms V6I.
Identifiers: ClinVar variation 2783611 (VCV002783611.3), dbSNP rs940582176, ClinGen allele CA33993199.

ClinVar aggregate classification (germline): Uncertain significance (1 of 4 stars; one submission).

Allele frequency attached by ClinVar (database versions not stated): TOPMed 0.00001.
gnomAD v4.1: 2 of 1,614,174 alleles (0.00012%); highest among the groups gnomAD compares: Non-Finnish European, 0.00017%; no homozygotes.

Submission:

Labcorp Genetics (formerly Invitae), Labcorp
Classification: Uncertain significance. Last evaluated: 2023-08-25. Review status: criteria provided, single submitter. Criteria: Invitae Variant Classification Sherloc (09022015). Collection method: clinical testing. Allele origin: germline.
Comment: This sequence change replaces valine, which is neutral and non-polar, with isoleucine, which is neutral and non-polar, at codon 6 of the HMCN1 protein (p.Val6Ile). This variant is not present in population databases (gnomAD no frequency). This variant has not been reported in the literature in individuals affected with HMCN1-related conditions. Algorithms developed to predict the effect of missense changes on protein structure and function output the following: SIFT: "Not Available"; PolyPhen-2: "Benign"; Align-GVGD: "Not Available". The isoleucine amino acid residue is found in multiple mammalian species, which suggests that this missense change does not adversely affect protein function. In summary, the available evidence is currently insufficient to determine the role of this variant in disease. Therefore, it has been classified as a Variant of Uncertain Significance.